The following is an entry in ClinVar:

ClinVar aggregate classification (germline): Likely benign. Review status: criteria provided, multiple submitters, no conflicts (2 of 4 stars). 2 submissions from 2 submitters: Likely benign (2). Last evaluated 2025-03-18.

gnomAD v4.1: 8 of 1,613,618 alleles (0.0005%); highest among the groups gnomAD compares: South Asian, 0.0033%; no homozygotes.

Submissions (2):

Mayo Clinic Laboratories, Mayo Clinic
Classification: Likely benign. Last evaluated: 2025-03-18. Review status: criteria provided, single submitter. Criteria: ACMG Guidelines, 2015. Collection method: clinical testing. Allele origin: germline. Observed: 1 variant allele.
Comment: BP4, BP7

Labcorp Genetics (formerly Invitae), Labcorp
Classification: Likely benign. Last evaluated: 2024-08-06. Review status: criteria provided, single submitter. Criteria: Invitae Variant Classification Sherloc (09022015). Collection method: clinical testing. Allele origin: germline.

NM_004444.5(EPHB4):c.2739C>T (p.Gly913=)

Gene: EPHB4 (EPH receptor B4; minus strand). Cytogenetic location: 7q22.1.
Variant type: single nucleotide variant.
Coding change: c.2739C>T on transcript NM_004444.5 (MANE Select); coding-DNA position 2739, C replaced by T.
Protein change: p.Gly913=; no amino-acid change (glycine 913 retained).
Molecular consequence: synonymous variant.
Genome position (GRCh38, 1-based): chr7:100,805,261, G>A on the plus strand (C>T on the coding strand, the complement: EPHB4 is on the minus strand). VCF-style: chr7-100805261-G-A. GRCh37 (hg19) VCF-style: chr7-100402883-G-A.
Other names: p.Gly913=.
Identifiers: ClinVar variation 3619389 (VCV003619389.3).